The following is an entry in ClinVar:

NM_012210.4(TRIM32):c.1039G>C (p.Glu347Gln)

Genes: ASTN2 (astrotactin 2; minus strand), TRIM32 (tripartite motif containing 32; plus strand). Cytogenetic location: 9q33.1.
Variant type: single nucleotide variant.
Coding change: c.1039G>C on transcript NM_012210.4 (MANE Select); coding-DNA position 1039, G replaced by C.
Protein change: p.Glu347Gln; replaces glutamic acid 347 with glutamine.
Molecular consequence: missense variant. On other transcripts: intron variant (3).
Genome position (GRCh38, 1-based): chr9:116,698,781, G>C. VCF-style: chr9-116698781-G-C. GRCh37 (hg19) VCF-style: chr9-119461060-G-C.
Other names: c.1039G>C, p.Glu347Gln (NM_001099679.2, NM_001379048.1, NM_001379049.1 and 1 more transcripts); c.2653+26990C>G (NM_014010.5); c.2794+26990C>G (NM_001365069.1); c.2806+26990C>G (NM_001365068.1); short protein forms E347Q.
Identifiers: ClinVar variation 574370 (VCV000574370.9), dbSNP rs1564217118, ClinGen allele CA374650816.

ClinVar aggregate classification (germline): Uncertain significance. Review status: criteria provided, single submitter (1 of 4 stars). 2 submissions from 2 submitters: Uncertain significance (1). 1 of the submissions does not count toward it. Last evaluated 2018-05-04.

Conditions:
TRIM32-related disorder. Also called: TRIM32-related condition.
Bardet-Biedl syndrome (BBS). Identifiers: Orphanet 110, MedGen C0752166, MONDO:0015229.

Allele frequency attached by ClinVar (database versions not stated): gnomAD 0.00001.
gnomAD v4.1: 2 of 1,614,070 alleles (0.00012%); highest among the groups gnomAD compares: Non-Finnish European, 0.00017%; no homozygotes.

Submissions (2):

Labcorp Genetics (formerly Invitae), Labcorp
Classification: Uncertain significance for Bardet-Biedl syndrome. Last evaluated: 2018-05-04. Review status: criteria provided, single submitter. Criteria: Invitae Variant Classification Sherloc (09022015). Collection method: clinical testing. Allele origin: germline.
Comment: This sequence change replaces glutamic acid with glutamine at codon 347 of the TRIM32 protein (p.Glu347Gln). The glutamic acid residue is highly conserved and there is a small physicochemical difference between glutamic acid and glutamine. This variant is not present in population databases (ExAC no frequency). This variant has not been reported in the literature in individuals with TRIM32-related disease. Algorithms developed to predict the effect of missense changes on protein structure and function (SIFT, PolyPhen-2, Align-GVGD) all suggest that this variant is likely to be tolerated, but these predictions have not been confirmed by published functional studies and their clinical significance is uncertain. In summary, the available evidence is currently insufficient to determine the role of this variant in disease. Therefore, it has been classified as a Variant of Uncertain Significance.

PreventionGenetics, part of Exact Sciences
Classification: Uncertain significance for TRIM32-related condition. Last evaluated: 2024-08-30. Review status: no assertion criteria provided. Collection method: clinical testing. Allele origin: germline. Not counted in ClinVar's aggregate classification.
Comment: The TRIM32 c.1039G>C variant is predicted to result in the amino acid substitution p.Glu347Gln. To our knowledge, this variant has not been reported in the literature or in a large population database, indicating this variant is rare. At this time, the clinical significance of this variant is uncertain due to the absence of conclusive functional and genetic evidence.